The following is an entry in ClinVar:

NM_006767.4(LZTR1):c.361C>G (p.His121Asp)

Gene: LZTR1 (leucine zipper like post translational regulator 1; plus strand). Cytogenetic location: 22q11.21.
Variant type: single nucleotide variant.
Coding change: c.361C>G on transcript NM_006767.4 (MANE Select); coding-DNA position 361, C replaced by G.
Protein change: p.His121Asp; replaces histidine 121 with aspartic acid.
Molecular consequence: missense variant.
Genome position (GRCh38, 1-based): chr22:20,987,544, C>G. VCF-style: chr22-20987544-C-G. GRCh37 (hg19) VCF-style: chr22-21341833-C-G.
Other names: NM_006767.4(LZTR1):c.361C>G; p.His121Asp; short protein forms H121D.
Identifiers: ClinVar variation 599033 (VCV000599033.3), dbSNP rs1569154492, ClinGen allele CA410779341.
Genomic context (GRCh38, chr22:20,987,544, plus strand): 5'-CACCCCTGTGCCCACCCCAGGGCCTTTACCACTGGGACCCCACCGGCCCCCCGTTACCAC[C>G]ACTCGGCCGTCGTCTATGGGAGCAGCATGTTTGTCTTTGGTAAGCAGCCTCTTGCCTCCC-3'
Protein context (NP_006758.2, residues 111-131): TGTPPAPRYH[His121Asp]SAVVYGSSMF

ClinVar aggregate classification (germline): Uncertain significance. Review status: reviewed by expert panel (3 of 4 stars). 4 submissions from 4 submitters: Uncertain significance (1). 3 of the submissions do not count toward it. Last evaluated 2024-12-03.

Conditions:
LZTR1-related schwannomatosis. Also called: Schwannomatosis 2; Schwannomatosis-2, susceptibility to. Identifiers: Orphanet 93921, MedGen C3810283, MONDO:0014299, OMIM 615670.
Cardiovascular phenotype. Identifiers: MedGen CN230736.
Hereditary cancer-predisposing syndrome. Also called: Neoplastic Syndromes, Hereditary; Hereditary neoplastic syndrome; Tumor predisposition; Hereditary Cancer Syndrome. Identifiers: Orphanet 140162, MedGen C0027672, MeSH D009386, MONDO:0015356.
RASopathy. Also called: rasopathies; Noonan spectrum disorder. Identifiers: Orphanet 536391, MedGen C5555857, MONDO:0021060.
Noonan syndrome 2 (NS2). Identifiers: Orphanet 648, MedGen C1854469, MONDO:0011531, OMIM 605275.

Submissions (4):

ClinGen RASopathy Variant Curation Expert Panel
Classification: Uncertain significance for RASopathy. Last evaluated: 2024-12-03. Review status: reviewed by expert panel. Criteria: ClinGen RASopathy ACMG Specifications LZTR1 V1.3.0. Collection method: curation. Allele origin: germline. Inheritance: Autosomal recessive inheritance.
Comment: The NM_006767.4:c.361C>G variant in LZTR1 is a missense variant predicted to cause substitution of histidine by aspartic acid at amino acid 121 (p.His121Asp). This variant is absent from gnomAD v2.1.1 (PM2_Supporting). The computational predictor REVEL gives a score of 0.762, which is above the threshold of 0.7, evidence that correlates with impact to LZTR1 function (PP3). Localization assay in COS-1 cells showed a prevalent localization at the Golgi, even though a more spread localization suggestive of endosome targeting was also noted indicating that this variant impacts protein function (PMID: 30481304) (PS3_Supporting). This variant has been detected in 1 individual with RASopathy, compound heterozygous for the variant and a pathogenic or likely pathogenic variant and confirmed in trans by parental testing (c.2264G>A p.Arg755Gln, 0.25 PM3 points, PMID: 29469822). In summary, this variant meets the criteria to be classified as uncertain significance for autosomal recessive RASopathy based on the ACMG/AMP criteria applied, as specified by the ClinGen RASopathy VCEP: PS3_Supporting, PM2_Supporting, PP3. (ClinGen RASopathy VCEP specifications version 1.3; 12/3/2024)

Ambry Genetics
Classification: Uncertain significance for Cardiovascular phenotype; Hereditary cancer-predisposing syndrome. Last evaluated: 2025-08-14. Review status: criteria provided, single submitter. Criteria: Ambry Variant Classification Scheme 2023. Collection method: clinical testing. Allele origin: germline. Not counted in ClinVar's aggregate classification.
Comment: The p.H121D variant (also known as c.361C>G), located in coding exon 4 of the LZTR1 gene, results from a C to G substitution at nucleotide position 361. The histidine at codon 121 is replaced by aspartic acid, an amino acid with similar properties. This variant has been identified in conjunction with other LZTR1 variant(s) in individual(s) with features consistent with Noonan syndrome; in at least one instance, the variants were identified in trans (Johnston JJ et al. Genet Med, 2018 Oct;20:1175-1185). This amino acid position is highly conserved in available vertebrate species. In addition, this alteration is predicted to be deleterious by in silico analysis. Based on the available evidence, the clinical significance of this variant remains unclear.

Genomic Medicine Center of Excellence, King Faisal Specialist Hospital and Research Centre
Classification: Likely pathogenic for LZTR1-related schwannomatosis. Last evaluated: 2024-03-26. Review status: criteria provided, single submitter. Criteria: ACMG Guidelines, 2015. Collection method: clinical testing. Allele origin: germline. Not counted in ClinVar's aggregate classification.

OMIM
Classification: Pathogenic for NOONAN SYNDROME 2. Last evaluated: 2018-12-17. Review status: no assertion criteria provided. Collection method: literature only. Allele origin: germline. Not counted in ClinVar's aggregate classification.

Literature cited by the submitters: PubMed 29469822 (cited by Ambry Genetics and OMIM); PubMed 30481304 (cited by Ambry Genetics).